The following is an entry in ClinVar:

NM_001042750.2(STAG2):c.386-8A>T

Gene: STAG2 (STAG2 cohesin complex component; plus strand). Cytogenetic location: Xq25.
Variant type: single nucleotide variant.
Coding change: c.386-8A>T on transcript NM_001042750.2 (MANE Select); 8 bases into the intron before coding-DNA position 386, A replaced by T.
Molecular consequence: intron variant.
Genome position (GRCh38, 1-based): chrX:124,042,561, A>T. VCF-style: chrX-124042561-A-T. GRCh37 (hg19) VCF-style: chrX-123176411-A-T.
Other names: c.386-8A>T (NM_001042749.2, NM_001375366.1, NM_001375373.1 and 13 more transcripts).
Identifiers: ClinVar variation 1605326 (VCV001605326.11), dbSNP rs199610347, ClinGen allele CA10508599.

ClinVar aggregate classification (germline): Benign/Likely benign. Review status: criteria provided, multiple submitters, no conflicts (2 of 4 stars). 3 submissions from 3 submitters: Benign (1); Likely benign (1). 1 of the submissions does not count toward it. Last evaluated 2026-01-25.

Conditions:
STAG2-related disorder. Also called: STAG2-Related Disorders.

Allele frequency attached by ClinVar (database versions not stated): ESP Exome Variant Server 0.00019; 1000 Genomes Project 30x 0.00062; TOPMed 0.00073; 1000 Genomes Project 0.00079; gnomAD 0.00144 and 0.00148; ExAC 0.00224.
gnomAD v4.1: 1,308 of 1,186,091 alleles (0.11%); highest among the groups gnomAD compares: East Asian, 0.8%; 5 homozygotes.

Submissions (3):

Labcorp Genetics (formerly Invitae), Labcorp
Classification: Benign. Last evaluated: 2026-01-25. Review status: criteria provided, single submitter. Criteria: Invitae Variant Classification Sherloc (09022015). Collection method: clinical testing. Allele origin: germline.

Blueprint Genetics
Classification: Likely benign. Last evaluated: 2024-11-25. Review status: criteria provided, single submitter. Criteria: ACMG Guidelines, 2015. Collection method: clinical testing. Allele origin: germline.

PreventionGenetics, part of Exact Sciences
Classification: Benign for STAG2-related condition. Last evaluated: 2019-12-16. Review status: no assertion criteria provided. Collection method: clinical testing. Allele origin: germline. Not counted in ClinVar's aggregate classification.
Comment: This variant is classified as benign based on ACMG/AMP sequence variant interpretation guidelines (Richards et al. 2015 PMID: 25741868, with internal and published modifications).